The following is an entry in ClinVar:

NM_015346.4(ZFYVE26):c.4293G>C (p.Gln1431His)

Gene: ZFYVE26 (zinc finger FYVE-type containing 26; minus strand). Cytogenetic location: 14q24.1.
Variant type: single nucleotide variant.
Coding change: c.4293G>C on transcript NM_015346.4 (MANE Select); coding-DNA position 4293, G replaced by C.
Protein change: p.Gln1431His; replaces glutamine 1431 with histidine.
Molecular consequence: missense variant.
Genome position (GRCh38, 1-based): chr14:67,782,859, C>G on the plus strand (G>C on the coding strand, the complement: ZFYVE26 is on the minus strand). VCF-style: chr14-67782859-C-G. GRCh37 (hg19) VCF-style: chr14-68249576-C-G.
Other names: p.Gln1431His; short protein forms Q1431H.
Identifiers: ClinVar variation 313897 (VCV000313897.14), dbSNP rs373740172, ClinGen allele CA7239804.

ClinVar aggregate classification (germline): Conflicting classifications of pathogenicity. Review status: criteria provided, conflicting classifications (1 of 4 stars). 6 submissions from 6 submitters: Uncertain significance (5); Likely benign (1). Last evaluated 2025-11-10.

Conditions:
Inborn genetic diseases. Identifiers: MedGen C0950123, MeSH D030342.
Spastic paraplegia. Identifiers: MedGen C0037772, HP:0001258.
Hereditary spastic paraplegia. Also called: Familial spastic paraparesis. Identifiers: Orphanet 685, MedGen C0037773, MONDO:0019064. Disease mechanism: loss of function.
Hereditary spastic paraplegia 15 (SPG15). Also called: SPASTIC PARAPLEGIA 15, AUTOSOMAL RECESSIVE; KJELLIN SYNDROME; SPASTIC PARAPLEGIA AND RETINAL DEGENERATION. Identifiers: Orphanet 100996, MedGen C1849128, MONDO:0010044, OMIM 270700.

Allele frequency attached by ClinVar (database versions not stated): ESP Exome Variant Server 0.00008; gnomAD 0.00008; TOPMed 0.00011; ExAC 0.00012; gnomAD exomes 0.00013.
gnomAD v4.1: 122 of 1,614,104 alleles (0.0076%); highest among the groups gnomAD compares: Middle Eastern, 0.066%; no homozygotes.

Submissions (6):

Labcorp Genetics (formerly Invitae), Labcorp
Classification: Uncertain significance for Spastic paraplegia. Last evaluated: 2025-11-10. Review status: criteria provided, single submitter. Criteria: Invitae Variant Classification Sherloc (09022015). Collection method: clinical testing. Allele origin: germline.
Comment: This sequence change replaces glutamine, which is neutral and polar, with histidine, which is basic and polar, at codon 1431 of the ZFYVE26 protein (p.Gln1431His). This variant is present in population databases (rs373740172, gnomAD 0.04%). This variant has not been reported in the literature in individuals affected with ZFYVE26-related conditions. ClinVar contains an entry for this variant (Variation ID: 313897). An algorithm developed to predict the effect of missense changes on protein structure and function (PolyPhen-2) suggests that this variant is likely to be tolerated. In summary, the available evidence is currently insufficient to determine the role of this variant in disease. Therefore, it has been classified as a Variant of Uncertain Significance.

Mayo Clinic Laboratories, Mayo Clinic
Classification: Uncertain significance. Last evaluated: 2025-01-01. Review status: criteria provided, single submitter. Criteria: ACMG Guidelines, 2015. Collection method: clinical testing. Allele origin: germline. Observed: 1 variant allele.
Comment: BP4

Ambry Genetics
Classification: Uncertain significance for Inborn genetic diseases. Last evaluated: 2024-11-10. Review status: criteria provided, single submitter. Criteria: Ambry Variant Classification Scheme 2023. Collection method: clinical testing. Allele origin: germline.

Genome Diagnostics Laboratory, The Hospital for Sick Children
Classification: Uncertain significance for Hereditary spastic paraplegia. Last evaluated: 2018-10-01. Review status: criteria provided, single submitter. Criteria: ACMG Guidelines, 2015. Collection method: clinical testing. Allele origin: germline. Affected: yes.

Illumina Laboratory Services, Illumina
Classification: Uncertain significance for Hereditary spastic paraplegia 15. Last evaluated: 2018-01-13. Review status: criteria provided, single submitter. Criteria: ICSL Variant Classification Criteria 13 December 2019. Collection method: clinical testing. Allele origin: germline.

GeneDx
Classification: Likely benign. Last evaluated: 2016-08-18. Review status: criteria provided, single submitter. Criteria: GeneDx Variant Classification (06012015). Collection method: clinical testing. Allele origin: germline. Affected: yes.
Comment: This variant is considered likely benign or benign based on one or more of the following criteria: it is a conservative change, it occurs at a poorly conserved position in the protein, it is predicted to be benign by multiple in silico algorithms, and/or has population frequency not consistent with disease.